The following is an entry in ClinVar:

ClinVar aggregate classification (germline): Uncertain significance. Review status: criteria provided, multiple submitters, no conflicts (2 of 4 stars). 2 submissions from 2 submitters: Uncertain significance (2). Last evaluated 2025-12-11.

Allele frequency attached by ClinVar (database versions not stated): gnomAD exomes 0.00002; TOPMed 0.00002; gnomAD 0.00003; 1000 Genomes Project 30x 0.00016; 1000 Genomes Project 0.00020; ExAC 0.00002.
gnomAD v4.1: 39 of 1,596,842 alleles (0.0024%); highest among the groups gnomAD compares: Non-Finnish European, 0.0028%; no homozygotes.

Submissions (2):

Labcorp Genetics (formerly Invitae), Labcorp
Classification: Uncertain significance. Last evaluated: 2025-12-11. Review status: criteria provided, single submitter. Criteria: Invitae Variant Classification Sherloc (09022015). Collection method: clinical testing. Allele origin: germline.
Comment: This sequence change replaces arginine, which is basic and polar, with tryptophan, which is neutral and slightly polar, at codon 418 of the TAOK2 protein (p.Arg418Trp). The frequency data for this variant in the population databases is considered unreliable, as metrics indicate poor data quality at this position in the gnomAD database. This variant has not been reported in the literature in individuals affected with TAOK2-related conditions. ClinVar contains an entry for this variant (Variation ID: 2084761). An algorithm developed to predict the effect of missense changes on protein structure and function (PolyPhen-2) suggests that this variant is likely to be disruptive. In summary, the available evidence is currently insufficient to determine the role of this variant in disease. Therefore, it has been classified as a Variant of Uncertain Significance.

Ambry Genetics
Classification: Uncertain significance. Last evaluated: 2023-09-22. Review status: criteria provided, single submitter. Criteria: Ambry Variant Classification Scheme 2023. Collection method: clinical testing. Allele origin: germline.

NM_016151.4(TAOK2):c.1252C>T (p.Arg418Trp)

Gene: TAOK2 (TAO kinase 2; plus strand). Cytogenetic location: 16p11.2.
Variant type: single nucleotide variant.
Coding change: c.1252C>T on transcript NM_016151.4 (MANE Select); coding-DNA position 1252, C replaced by T.
Protein change: p.Arg418Trp; replaces arginine 418 with tryptophan.
Molecular consequence: missense variant.
Genome position (GRCh38, 1-based): chr16:29,983,324, C>T. VCF-style: chr16-29983324-C-T. GRCh37 (hg19) VCF-style: chr16-29994645-C-T.
Other names: c.1252C>T (NM_016151.2); c.1252C>T, p.Arg418Trp (NM_001252043.2, NM_004783.4); short protein forms R418W.
Identifiers: ClinVar variation 2084761 (VCV002084761.5), dbSNP rs182132470, ClinGen allele CA7998077.